The following is an entry in ClinVar:

ClinVar aggregate classification (germline): Uncertain significance. Review status: criteria provided, multiple submitters, no conflicts (2 of 4 stars). 2 submissions from 2 submitters: Uncertain significance (2). Last evaluated 2025-03-20.

Conditions:
Long QT syndrome (LQTS). Identifiers: MedGen C0023976, MeSH D008133, MONDO:0002442. Disease mechanism: loss of function. Inheritance: Various modes of inheritance.
Cardiovascular phenotype. Identifiers: MedGen CN230736.

Allele frequency attached by ClinVar (database versions not stated): TOPMed 0.00001.

Submissions (2):

Ambry Genetics
Classification: Uncertain significance for Cardiovascular phenotype. Last evaluated: 2025-03-20. Review status: criteria provided, single submitter. Criteria: Ambry Variant Classification Scheme 2023. Collection method: clinical testing. Allele origin: germline.

Labcorp Genetics (formerly Invitae), Labcorp
Classification: Uncertain significance for Long QT syndrome. Last evaluated: 2021-03-09. Review status: criteria provided, single submitter. Criteria: Invitae Variant Classification Sherloc (09022015). Collection method: clinical testing. Allele origin: germline.
Comment: This sequence change replaces valine with isoleucine at codon 1131 of the AKAP9 protein (p.Val1131Ile). The valine residue is moderately conserved and there is a small physicochemical difference between valine and isoleucine. This variant is not present in population databases (ExAC no frequency). This variant has not been reported in the literature in individuals with AKAP9-related conditions. Algorithms developed to predict the effect of missense changes on protein structure and function output the following: SIFT: "Tolerated"; PolyPhen-2: "Benign"; Align-GVGD: "Class C0". The isoleucine amino acid residue is found in multiple mammalian species, suggesting that this missense change does not adversely affect protein function. These predictions have not been confirmed by published functional studies and their clinical significance is uncertain. In summary, the available evidence is currently insufficient to determine the role of this variant in disease. Therefore, it has been classified as a Variant of Uncertain Significance.

NM_005751.5(AKAP9):c.3391G>A (p.Val1131Ile)

Gene: AKAP9 (A-kinase anchoring protein 9; plus strand). Cytogenetic location: 7q21.2.
Variant type: single nucleotide variant.
Coding change: c.3391G>A on transcript NM_005751.5 (MANE Select); coding-DNA position 3391, G replaced by A.
Protein change: p.Val1131Ile; replaces valine 1131 with isoleucine.
Molecular consequence: missense variant.
Genome position (GRCh38, 1-based): chr7:92,012,501, G>A. VCF-style: chr7-92012501-G-A. GRCh37 (hg19) VCF-style: chr7-91641815-G-A.
Other names: c.3391G>A, p.Val1131Ile (NM_147185.3); c.3391G>A (NM_005751.4); short protein forms V1131I.
Identifiers: ClinVar variation 1406706 (VCV001406706.10), dbSNP rs1800893766, ClinGen allele CA368125889.